The following is an entry in ClinVar:

NM_001696.4(ATP6V1E1):c.214A>T (p.Met72Leu)

Gene: ATP6V1E1 (ATPase H+ transporting V1 subunit E1; minus strand). Cytogenetic location: 22q11.21.
Variant type: single nucleotide variant.
Coding change: c.214A>T on transcript NM_001696.4 (MANE Select); coding-DNA position 214, A replaced by T.
Protein change: p.Met72Leu; replaces methionine 72 with leucine.
Molecular consequence: missense variant.
Genome position (GRCh38, 1-based): chr22:17,612,874, T>A on the plus strand (A>T on the coding strand, the complement: ATP6V1E1 is on the minus strand). VCF-style: chr22-17612874-T-A. GRCh37 (hg19) VCF-style: chr22-18095640-T-A.
Other names: c.148A>T, p.Met50Leu (NM_001039366.1); c.214A>T, p.Met72Leu (NM_001039367.1); short protein forms M50L, M72L.
Identifiers: ClinVar variation 2418446 (VCV002418446.7), dbSNP rs767653911, ClinGen allele CA10090173.

ClinVar aggregate classification (germline): Uncertain significance. Review status: criteria provided, multiple submitters, no conflicts (2 of 4 stars). 2 submissions from 2 submitters: Uncertain significance (2). Last evaluated 2026-01-01.

Allele frequency attached by ClinVar (database versions not stated): gnomAD 0.00003; TOPMed 0.00003; ExAC 0.00012.
gnomAD v4.1: 112 of 1,608,604 alleles (0.007%); highest among the groups gnomAD compares: Middle Eastern, 0.066%; no homozygotes.

Submissions (2):

CeGaT Center for Human Genetics Tuebingen
Classification: Uncertain significance. Last evaluated: 2026-01-01. Review status: criteria provided, single submitter. Criteria: CeGaT Center For Human Genetics Tuebingen Variant Classification Criteria Version 2. Collection method: clinical testing. Allele origin: germline. Affected: yes. Observed: 1 variant allele.
Comment: ATP6V1E1: PM2

Labcorp Genetics (formerly Invitae), Labcorp
Classification: Uncertain significance. Last evaluated: 2022-02-20. Review status: criteria provided, single submitter. Criteria: Invitae Variant Classification Sherloc (09022015). Collection method: clinical testing. Allele origin: germline.
Comment: This sequence change replaces methionine, which is neutral and non-polar, with leucine, which is neutral and non-polar, at codon 72 of the ATP6V1E1 protein (p.Met72Leu). This variant is present in population databases (rs767653911, gnomAD 0.04%). This variant has not been reported in the literature in individuals affected with ATP6V1E1-related conditions. Algorithms developed to predict the effect of missense changes on protein structure and function (SIFT, PolyPhen-2, Align-GVGD) all suggest that this variant is likely to be tolerated. Algorithms developed to predict the effect of sequence changes on RNA splicing suggest that this variant may disrupt the consensus splice site. In summary, the available evidence is currently insufficient to determine the role of this variant in disease. Therefore, it has been classified as a Variant of Uncertain Significance.